The following is an entry in ClinVar:

ClinVar aggregate classification (germline): Uncertain significance. Review status: criteria provided, multiple submitters, no conflicts (2 of 4 stars). 2 submissions from 2 submitters: Uncertain significance (2). Last evaluated 2026-08-06.

Conditions:
Peters plus syndrome. Also called: KRAUSE-KIVLIN SYNDROME. Identifiers: Orphanet 709, MedGen C0796012, MONDO:0009856, OMIM 261540.

Allele frequency attached by ClinVar (database versions not stated): gnomAD 0.00001; TOPMed 0.00002.
gnomAD v4.1: 14 of 1,612,598 alleles (0.00087%); highest among the groups gnomAD compares: South Asian, 0.0033%; no homozygotes.

Submissions (2):

OLLIN Analises Genomicas, OLLIN
Classification: Uncertain significance. Last evaluated: 2026-08-06. Review status: criteria provided, single submitter. Criteria: ACMG Guidelines 2015 PMID 25741868. Collection method: clinical testing. Allele origin: germline.
Comment: This missense variant, located in exon 7 (of 15), has been reported in ClinVar (accession VCV000948813.10) and in gnomAD with an allele frequency of 0.00087%. However, to our knowledge, it has not been reported in the scientific literature. In silico analysis predicts that this variant has a deleterious effect. According to the currently available evidence, this variant has been classified as uncertain significance (PM2_P, PP3_M).

Labcorp Genetics (formerly Invitae), Labcorp
Classification: Uncertain significance for Peters plus syndrome. Last evaluated: 2022-02-10. Review status: criteria provided, single submitter. Criteria: Invitae Variant Classification Sherloc (09022015). Collection method: clinical testing. Allele origin: germline.
Comment: This sequence change replaces phenylalanine, which is neutral and non-polar, with isoleucine, which is neutral and non-polar, at codon 156 of the B3GLCT protein (p.Phe156Ile). This variant is present in population databases (no rsID available, gnomAD 0.003%). In summary, the available evidence is currently insufficient to determine the role of this variant in disease. Therefore, it has been classified as a Variant of Uncertain Significance. Algorithms developed to predict the effect of missense changes on protein structure and function are either unavailable or do not agree on the potential impact of this missense change (SIFT: "Deleterious"; PolyPhen-2: "Probably Damaging"; Align-GVGD: "Class C15"). ClinVar contains an entry for this variant (Variation ID: 948813). This variant has not been reported in the literature in individuals affected with B3GLCT-related conditions.

NM_194318.4(B3GLCT):c.466T>A (p.Phe156Ile)

Gene: B3GLCT (beta 3-glucosyltransferase; plus strand). Cytogenetic location: 13q12.3.
Variant type: single nucleotide variant.
Coding change: c.466T>A on transcript NM_194318.4 (MANE Select); coding-DNA position 466, T replaced by A.
Protein change: p.Phe156Ile; replaces phenylalanine 156 with isoleucine.
Molecular consequence: missense variant.
Genome position (GRCh38, 1-based): chr13:31,260,952, T>A. VCF-style: chr13-31260952-T-A. GRCh37 (hg19) VCF-style: chr13-31835089-T-A.
Other names: short protein forms F156I.
Identifiers: ClinVar variation 948813 (VCV000948813.11), dbSNP rs976708734, ClinGen allele CA247416574.
Genomic context (GRCh38, chr13:31,260,952, plus strand): 5'-GTCTTACATGAAATGATTGTTTTTAAAGTGACATGTTATATCTTTATTTAACAGGAATGG[T>A]TTTTGGGAAAAGCATTACATGATGAAGAAGCTACAATAATTCACCATTATGCCTTTTCCG-3'
Protein context (NP_919299.3, residues 146-166): LRRYDPSKEW[Phe156Ile]LGKALHDEEA